The following is an entry in ClinVar:

ClinVar aggregate classification (germline): Uncertain significance (1 of 4 stars; one submission).

Conditions:
Von Hippel-Lindau syndrome (VHLS). Also called: VHL syndrome; Von Hippel-Lindau; von Hippel–Lindau syndrome. Identifiers: Orphanet 892, MedGen C0019562, MONDO:0008667, OMIM 193300. Disease mechanism: loss of function.
Chuvash polycythemia. Also called: POLYCYTHEMIA, VHL-DEPENDENT. Identifiers: Orphanet 238557, MedGen C1837915, MONDO:0009892, OMIM 263400.

Submission:

Labcorp Genetics (formerly Invitae), Labcorp
Classification: Uncertain significance for Von Hippel-Lindau syndrome; Chuvash polycythemia. Last evaluated: 2024-05-06. Review status: criteria provided, single submitter. Criteria: Invitae Variant Classification Sherloc (09022015). Collection method: clinical testing. Allele origin: germline.
Comment: This sequence change results in a frameshift in the VHL gene (p.Gln203Thrfs*53). While this is not anticipated to result in nonsense mediated decay, it is expected to disrupt the last 11 amino acid(s) of the VHL protein and extend the protein by 41 additional amino acid residues. This variant is not present in population databases (gnomAD no frequency). This frameshift has been observed in individual(s) with clinical features of von Hippel-Lindau syndrome (PMID: 17024664, 22799452; Invitae). This variant is also known as 819_820dupA. ClinVar contains an entry for this variant (Variation ID: 935385). Experimental studies and prediction algorithms are not available or were not evaluated, and the functional significance of this variant is currently unknown. Algorithms developed to predict the effect of sequence changes on RNA splicing suggest that this variant may create or strengthen a splice site. In summary, the available evidence is currently insufficient to determine the role of this variant in disease. Therefore, it has been classified as a Variant of Uncertain Significance.

Literature cited by the submitters: PubMed 17024664; PubMed 22799452.

NM_000551.4(VHL):c.606dup (p.Gln203fs)

Genes: VHL (von Hippel-Lindau tumor suppressor; plus strand), LOC107303340 (3p25 von Hippel-Lindau tumor suppressor, E3 ubiquitin protein ligase Alu-mediated recombination region; plus strand). Cytogenetic location: 3p25.3.
Variant type: Duplication.
Coding change: c.606dup on transcript NM_000551.4 (MANE Select); coding-DNA position 606, one base duplicated (A; older notation c.606dupA).
Protein change: p.Gln203fs; shifts the reading frame from glutamine 203.
Molecular consequence: frameshift variant. On other transcripts: 3 prime UTR variant (1).
Genome position (GRCh38, 1-based): chr3:10,149,929, A duplicated. VCF-style (leftmost placement, unchanged base first): chr3-10149928-C-CA. GRCh37 (hg19) VCF-style: chr3-10191612-C-CA.
Other names: c.*160dup (NM_001354723.2); c.483dup, p.Gln162fs (NM_198156.3); short protein forms Q162fs, Q203fs.
Identifiers: ClinVar variation 935385 (VCV000935385.10), dbSNP rs1696365502, ClinGen allele CA1139655766.